The following is an entry in ClinVar:

NM_000268.4(NF2):c.215T>C (p.Val72Ala)

Gene: NF2 (NF2, moesin-ezrin-radixin like (MERLIN) tumor suppressor; plus strand). Cytogenetic location: 22q12.2.
Variant type: single nucleotide variant.
Coding change: c.215T>C on transcript NM_000268.4 (MANE Select); coding-DNA position 215, T replaced by C.
Protein change: p.Val72Ala; replaces valine 72 with alanine.
Molecular consequence: missense variant. On other transcripts: non-coding transcript variant (1), intron variant (3).
Genome position (GRCh38, 1-based): chr22:29,636,851, T>C. VCF-style: chr22-29636851-T-C. GRCh37 (hg19) VCF-style: chr22-30032840-T-C.
Other names: c.215T>C, p.Val72Ala (NM_016418.5, NM_181825.3, NM_181829.3 and 2 more transcripts); c.115-2239T>C (NM_181828.3); c.115-5351T>C (NM_181830.3, NM_181831.3); short protein forms V72A.
Identifiers: ClinVar variation 569354 (VCV000569354.51), dbSNP rs1260510937, ClinGen allele CA411152626.

ClinVar aggregate classification (germline): Conflicting classifications of pathogenicity. Review status: criteria provided, conflicting classifications (1 of 4 stars). 12 submissions from 11 submitters: Uncertain significance (11); Likely benign (1). Last evaluated 2026-08-23.

Conditions:
Hereditary cancer-predisposing syndrome. Also called: Tumor predisposition; Hereditary Cancer Syndrome; Hereditary neoplastic syndrome; Neoplastic Syndromes, Hereditary. Identifiers: Orphanet 140162, MedGen C0027672, MeSH D009386, MONDO:0015356.
Familial meningioma. Also called: Meningioma, familial, susceptibility to. Identifiers: Orphanet 263662, MedGen C3551915, MONDO:0011789, OMIM 607174.
Neurofibromatosis, type 2 (SWNV). Also called: BILATERAL ACOUSTIC NEUROFIBROMATOSIS; NF2-Related Schwannomatosis; SCHWANNOMATOSIS, VESTIBULAR. Identifiers: Orphanet 637, MedGen C0027832, MONDO:0007039, OMIM 101000. Disease mechanism: loss of function.
SMARCB1-related schwannomatosis. Also called: Schwannomatosis 1; SWNTS1. Identifiers: Orphanet 93921, MedGen C4048809, MONDO:0024517, OMIM 162091. Disease mechanism: loss of function.

Allele frequency attached by ClinVar (database versions not stated): gnomAD exomes 0.00001.
gnomAD v4.1: 14 of 1,614,140 alleles (0.00087%); highest among the groups gnomAD compares: Middle Eastern, 0.12%; no homozygotes.

Submissions (12):

Ambry Genetics
Classification: Uncertain significance for Hereditary cancer-predisposing syndrome. Last evaluated: 2026-08-23. Review status: criteria provided, single submitter. Criteria: Ambry Variant Classification Scheme 2023. Collection method: clinical testing. Allele origin: germline.

Labcorp Genetics (formerly Invitae), Labcorp
Classification: Likely benign for Neurofibromatosis, type 2. Last evaluated: 2026-02-02. Review status: criteria provided, single submitter. Criteria: Invitae Variant Classification Sherloc (09022015). Collection method: clinical testing. Allele origin: germline.

Fulgent Genetics
Classification: Uncertain significance for Neurofibromatosis, type 2; Familial meningioma. Last evaluated: 2024-02-19. Review status: criteria provided, single submitter. Criteria: ACMG Guidelines, 2015. Collection method: clinical testing. Allele origin: germline.

All of Us Research Program, National Institutes of Health
Classification: Uncertain significance for Neurofibromatosis, type 2. Last evaluated: 2023-11-28. Review status: criteria provided, single submitter. Criteria: ACMG Guidelines, 2015. Collection method: clinical testing. Allele origin: germline. Inheritance: Autosomal dominant inheritance. Observed: 3 variant alleles, 3 heterozygotes.
Comment: This missense variant replaces valine with alanine at codon 72 of the NF2 protein. Computational prediction suggests that this variant may not impact protein structure and function (internally defined REVEL score threshold <= 0.5, PMID: 27666373). To our knowledge, functional studies have not been reported for this variant. This variant has not been reported in individuals affected with hereditary cancer in the literature. This variant has not been identified in the general population by the Genome Aggregation Database (gnomAD). The available evidence is insufficient to determine the role of this variant in disease conclusively. Therefore, this variant is classified as a Variant of Uncertain Significance.

This study involves interpretation of variants in research participants for the purpose of population health screening. Participant phenotype was not available at the time of variant classification. Additional details can be found in publication PMID: 35346344, PMCID: PMC8962531

Baylor Genetics
Classification: Uncertain significance for Familial meningioma. Last evaluated: 2023-10-09. Review status: criteria provided, single submitter. Criteria: ACMG Guidelines, 2015. Collection method: clinical testing. Allele origin: unknown.

Revvity Omics, Revvity
Classification: Uncertain significance for Neurofibromatosis, type 2. Last evaluated: 2022-12-15. Review status: criteria provided, single submitter. Criteria: ACMG Guidelines, 2015. Collection method: clinical testing. Allele origin: germline.

CeGaT Center for Human Genetics Tuebingen
Classification: Uncertain significance. Last evaluated: 2022-04-01. Review status: criteria provided, single submitter. Criteria: CeGaT Center For Human Genetics Tuebingen Variant Classification Criteria Version 2. Collection method: clinical testing. Allele origin: germline. Affected: yes. Observed: 1 variant allele.
Comment: NF2: PM2

Genome-Nilou Lab
Classification: Uncertain significance for Neurofibromatosis, type 2. Last evaluated: 2021-11-07. Review status: criteria provided, single submitter. Criteria: ACMG Guidelines, 2015. Collection method: clinical testing. Allele origin: germline. Affected: no.

Fulgent Genetics
Classification: Uncertain significance for Neurofibromatosis, type 2; SMARCB1-related schwannomatosis; Familial meningioma. Last evaluated: 2018-10-31. Review status: criteria provided, single submitter. Criteria: ACMG Guidelines, 2015. Collection method: clinical testing. Allele origin: unknown.

Mendelics
Classification: Uncertain significance for Neurofibromatosis, type 2. Last evaluated: 2018-07-02. Review status: criteria provided, single submitter. Criteria: Mendelics Assertion Criteria 2017. Collection method: clinical testing. Allele origin: unknown.

Illumina Laboratory Services, Illumina
Classification: Uncertain significance for Neurofibromatosis, type 2. Last evaluated: 2017-04-27. Review status: criteria provided, single submitter. Criteria: ICSL Variant Classification Criteria 13 December 2019. Collection method: clinical testing. Allele origin: germline.
Comment: This variant was observed as part of a predisposition screen in an ostensibly healthy population. A literature search was performed for the gene, cDNA change, and amino acid change (where applicable). Publications were found based on this search. However, the evidence from the literature, in combination with allele frequency data from public databases where available, was not sufficient to rule this variant in or out of causing disease. Therefore, this variant is classified as a variant of unknown significance.

Breakthrough Genomics
Classification: Uncertain significance. Review status: criteria provided, single submitter. Criteria: ACMG Guidelines, 2015. Collection method: not provided. Allele origin: germline. Inheritance: Autosomal dominant inheritance. Affected: yes.

Literature cited by the submitters: PubMed 20553997 (cited by Illumina Laboratory Services, Illumina).